The following is an entry in ClinVar:

ClinVar aggregate classification (germline): Uncertain significance (1 of 4 stars; one submission).

Conditions:
Primary ciliary dyskinesia. Also called: Ciliary dyskinesia. Identifiers: Orphanet 244, MedGen C0008780, MONDO:0016575, HP:0012265.

Submission:

Labcorp Genetics (formerly Invitae), Labcorp
Classification: Uncertain significance for Primary ciliary dyskinesia. Last evaluated: 2023-12-25. Review status: criteria provided, single submitter. Criteria: Invitae Variant Classification Sherloc (09022015). Collection method: clinical testing. Allele origin: germline.
Comment: This sequence change replaces lysine, which is basic and polar, with glutamic acid, which is acidic and polar, at codon 590 of the RPGR protein (p.Lys590Glu). This variant is not present in population databases (gnomAD no frequency). This variant has not been reported in the literature in individuals affected with RPGR-related conditions. Advanced modeling of protein sequence and biophysical properties (such as structural, functional, and spatial information, amino acid conservation, physicochemical variation, residue mobility, and thermodynamic stability) performed at Invitae indicates that this missense variant is not expected to disrupt RPGR protein function with a negative predictive value of 95%. In summary, the available evidence is currently insufficient to determine the role of this variant in disease. Therefore, it has been classified as a Variant of Uncertain Significance.

NM_001034853.2(RPGR):c.1768A>G (p.Lys590Glu)

Gene: RPGR (retinitis pigmentosa GTPase regulator; minus strand). Cytogenetic location: Xp11.4.
Variant type: single nucleotide variant.
Coding change: c.1768A>G on transcript NM_001034853.2 (MANE Select); coding-DNA position 1768, A replaced by G.
Protein change: p.Lys590Glu; replaces lysine 590 with glutamic acid.
Molecular consequence: missense variant. On other transcripts: non-coding transcript variant (2), intron variant (5).
Genome position (GRCh38, 1-based): chrX:38,287,231, T>C on the plus strand (A>G on the coding strand, the complement: RPGR is on the minus strand). VCF-style: chrX-38287231-T-C. GRCh37 (hg19) VCF-style: chrX-38146484-T-C.
Other names: c.1768A>G, p.Lys590Glu (NM_000328.3); c.1765A>G, p.Lys589Glu (NM_001367245.1); c.1582A>G, p.Lys528Glu (NM_001367246.1); c.1569+3728A>G (NM_001367249.1, NM_001367250.1); c.1386+3728A>G (NM_001367251.1); c.1572+3728A>G (NM_001367247.1); c.1602+3728A>G (NM_001367248.1); short protein forms K528E, K590E, K589E.
Identifiers: ClinVar variation 2705363 (VCV002705363.3), dbSNP rs2519795385, ClinGen allele CA412733064.